The following is an entry in ClinVar:

ClinVar aggregate classification (germline): Conflicting classifications of pathogenicity. Review status: criteria provided, conflicting classifications (1 of 4 stars). 7 submissions from 7 submitters: Uncertain significance (1); Benign (1); Likely benign (4). 1 of the submissions does not count toward it. Last evaluated 2026-06-01.

Conditions:
COL6A3-related disorder. Also called: COL6A3-related disorders; COL6A3-related condition.
Collagen 6-related myopathy. Identifiers: MedGen CN117976, MONDO:0100225.
Bethlem myopathy 1A. Also called: Bethlem myopathy 1; MYOPATHY, BENIGN CONGENITAL, WITH CONTRACTURES; Bethlem Muscular Dystrophy. Identifiers: Orphanet 610, MedGen CN029274, MONDO:0024530, OMIM 158810.

Allele frequency attached by ClinVar (database versions not stated): 1000 Genomes Project 30x 0.00016; 1000 Genomes Project 0.00020; ESP Exome Variant Server 0.00023; gnomAD exomes 0.00023 and 0.00045; TOPMed 0.00024; ExAC 0.00026; gnomAD 0.00028 and 0.00030.
gnomAD v4.1: 685 of 1,614,264 alleles (0.042%); highest among the groups gnomAD compares: Non-Finnish European, 0.054%; no homozygotes.

Submissions (7):

CeGaT Center for Human Genetics Tuebingen
Classification: Likely benign. Last evaluated: 2026-06-01. Review status: criteria provided, single submitter. Criteria: CeGaT Center For Human Genetics Tuebingen Variant Classification Criteria Version 2. Collection method: clinical testing. Allele origin: germline. Affected: yes. Observed: 3 variant alleles.
Comment: COL6A3: BP4, BP7

Labcorp Genetics (formerly Invitae), Labcorp
Classification: Likely benign for Bethlem myopathy 1A. Last evaluated: 2026-01-21. Review status: criteria provided, single submitter. Criteria: Invitae Variant Classification Sherloc (09022015). Collection method: clinical testing. Allele origin: germline.

Blueprint Genetics
Classification: Likely benign. Last evaluated: 2024-11-08. Review status: criteria provided, single submitter. Criteria: ACMG Guidelines, 2015. Collection method: clinical testing. Allele origin: germline.

GeneDx
Classification: Likely benign. Last evaluated: 2021-06-19. Review status: criteria provided, single submitter. Criteria: GeneDx Variant Classification Process June 2021. Collection method: clinical testing. Allele origin: germline. Affected: yes.

Eurofins Ntd Llc (ga)
Classification: Uncertain significance. Last evaluated: 2018-07-02. Review status: criteria provided, single submitter. Criteria: EGL ClinVar v180209 classification definitions. Collection method: clinical testing. Allele origin: germline. Observed: 5 variant alleles, 5 heterozygotes.

Illumina Laboratory Services, Illumina
Classification: Benign for Collagen VI-related myopathy. Last evaluated: 2018-01-13. Review status: criteria provided, single submitter. Criteria: ICSL Variant Classification Criteria 13 December 2019. Collection method: clinical testing. Allele origin: germline.
Comment: This variant was observed in the ICSL laboratory as part of a predisposition screen in an ostensibly healthy population. It had not been previously curated by ICSL or reported in the Human Gene Mutation Database (HGMD: prior to June 1st, 2018), and was therefore a candidate for classification through an automated scoring system. Utilizing variant allele frequency, disease prevalence and penetrance estimates, and inheritance mode, an automated score was calculated to assess if this variant is too frequent to cause the disease. Based on the score and internal cut-off values, a variant classified as benign is not then subjected to further curation. The score for this variant resulted in a classification of benign for this disease.

PreventionGenetics, part of Exact Sciences
Classification: Likely benign for COL6A3-related condition. Last evaluated: 2019-10-28. Review status: no assertion criteria provided. Collection method: clinical testing. Allele origin: germline. Not counted in ClinVar's aggregate classification.
Comment: This variant is classified as likely benign based on ACMG/AMP sequence variant interpretation guidelines (Richards et al. 2015 PMID: 25741868, with internal and published modifications).

NM_004369.4(COL6A3):c.1623C>T (p.Ala541=)

Gene: COL6A3 (collagen type VI alpha 3 chain; minus strand). Cytogenetic location: 2q37.3.
Variant type: single nucleotide variant.
Coding change: c.1623C>T on transcript NM_004369.4 (MANE Select); coding-DNA position 1623, C replaced by T.
Protein change: p.Ala541=; no amino-acid change (alanine 541 retained).
Molecular consequence: synonymous variant.
Genome position (GRCh38, 1-based): chr2:237,381,189, G>A on the plus strand (C>T on the coding strand, the complement: COL6A3 is on the minus strand). VCF-style: chr2-237381189-G-A. GRCh37 (hg19) VCF-style: chr2-238289832-G-A.
Other names: c.402C>T, p.Ala134= (NM_057164.5, NM_057166.5); c.1005C>T, p.Ala335= (NM_057165.5, NM_057167.4).
Identifiers: ClinVar variation 283643 (VCV000283643.64), dbSNP rs114144694, ClinGen allele CA2189578.